The following is an entry in ClinVar:

NM_000093.5(COL5A1):c.2771G>C (p.Arg924Pro)

Gene: COL5A1 (collagen type V alpha 1 chain; plus strand). Cytogenetic location: 9q34.3.
Variant type: single nucleotide variant.
Coding change: c.2771G>C on transcript NM_000093.5 (MANE Select); coding-DNA position 2771, G replaced by C.
Protein change: p.Arg924Pro; replaces arginine 924 with proline.
Molecular consequence: missense variant.
Genome position (GRCh38, 1-based): chr9:134,795,287, G>C. VCF-style: chr9-134795287-G-C. GRCh37 (hg19) VCF-style: chr9-137687133-G-C.
Other names: c.2771G>C, p.Arg924Pro (NM_001278074.1); short protein forms R924P.
Identifiers: ClinVar variation 1318872 (VCV001318872.2), dbSNP rs768711320, ClinGen allele CA375456612.
Genomic context (GRCh38, chr9:134,795,287, plus strand): 5'-CTTGAGCTGACCTTCCTTCTCTCCCATCTGTCCAGGGTCCGAGGGGTGAAAGAGGCCCCC[G>C]GGGCATCACTGGGAAGCCTGGCCCCAAGGTATGTTTTTGGCCTCCTGGGCGGTGGGCGGC-3'
Protein context (NP_000084.3, residues 914-934): PTGPRGERGP[Arg924Pro]GITGKPGPKG

ClinVar aggregate classification (germline): Uncertain significance (1 of 4 stars; one submission).

Submission:

GeneDx
Classification: Uncertain significance. Last evaluated: 2019-12-02. Review status: criteria provided, single submitter. Criteria: GeneDx Variant Classification Process June 2021. Collection method: clinical testing. Allele origin: germline. Affected: yes.
Comment: Has not been previously published as pathogenic or benign to our knowledge; Not observed in large population cohorts (Lek et al., 2016); In silico analysis, which includes protein predictors and evolutionary conservation, supports a deleterious effect; Does not affect a Glycine residue in a Gly-X-Y motif in the triple helical region of the COL5A1 gene, where the majority of missense mutations occur (Stenson et al., 2014; Symoens et al., 2012)